The following is an entry in ClinVar:

NM_004370.6(COL12A1):c.8813G>A (p.Arg2938His)

Gene: COL12A1 (collagen type XII alpha 1 chain; minus strand). Cytogenetic location: 6q13.
Variant type: single nucleotide variant.
Coding change: c.8813G>A on transcript NM_004370.6 (MANE Select); coding-DNA position 8813, G replaced by A.
Protein change: p.Arg2938His; replaces arginine 2938 with histidine.
Molecular consequence: missense variant.
Genome position (GRCh38, 1-based): chr6:75,090,238, C>T on the plus strand (G>A on the coding strand, the complement: COL12A1 is on the minus strand). VCF-style: chr6-75090238-C-T. GRCh37 (hg19) VCF-style: chr6-75799954-C-T.
Other names: c.8813G>A, p.Arg2938His (NM_001424113.1); c.8792G>A, p.Arg2931His (NM_001424114.1); c.8540G>A, p.Arg2847His (NM_001424115.1); c.5321G>A, p.Arg1774His (NM_001424116.1, NM_080645.3); short protein forms R2847H, R1774H, R2931H, R2938H.
Identifiers: ClinVar variation 2925963 (VCV002925963.5), dbSNP rs752206319, ClinGen allele CA141000609.

ClinVar aggregate classification (germline): Conflicting classifications of pathogenicity. Review status: criteria provided, conflicting classifications (1 of 4 stars). 2 submissions from 2 submitters: Uncertain significance (1); Likely benign (1). Last evaluated 2024-12-03.

Conditions:
Bethlem myopathy 2 (BTHLM2). Identifiers: Orphanet 536516, Orphanet 610, MedGen C4225313, MONDO:0034022, OMIM 616471.
Ullrich congenital muscular dystrophy 2 (UCMD2). Identifiers: Orphanet 75840, MedGen C4225314, MONDO:0014654, OMIM 616470.

gnomAD v4.1: 14 of 1,613,716 alleles (0.00087%); highest among the groups gnomAD compares: South Asian, 0.011%; no homozygotes.

Submissions (2):

Labcorp Genetics (formerly Invitae), Labcorp
Classification: Likely benign for Bethlem myopathy 2; Ullrich congenital muscular dystrophy 2. Last evaluated: 2024-12-03. Review status: criteria provided, single submitter. Criteria: Invitae Variant Classification Sherloc (09022015). Collection method: clinical testing. Allele origin: germline.

Dasa
Classification: Uncertain significance. Last evaluated: 2024-10-11. Review status: criteria provided, single submitter. Criteria: DASA Assertion Criteria. Collection method: clinical testing. Allele origin: germline.
Comment: NM_004370.6(COL12A1):c.8813G>A (p.Arg2938His) is a missense variant that results in the substitution of arginine with histidine. This variant is rare in population databases. The currently available literature and clinical evidence are not sufficient to establish a definitive association between this variant and the reported condition. Therefore, this variant is classified as a variant of uncertain significance.